The following is an entry in ClinVar:

ClinVar aggregate classification (germline): Likely benign (1 of 4 stars; one submission).

Conditions:
GABBR1-related condition.

gnomAD v4.1: 87 of 1,611,966 alleles (0.0054%); highest among the groups gnomAD compares: Middle Eastern, 0.1%; no homozygotes.

Submission:

PreventionGenetics, part of Exact Sciences
Classification: Likely benign for GABBR1-related condition. Last evaluated: 2026-02-11. Review status: criteria provided, single submitter. Criteria: ACMG Guidelines, 2015. Collection method: clinical testing. Allele origin: germline.
Comment: This variant is classified as likely benign based on ACMG/AMP sequence variant interpretation guidelines (Richards et al. 2015 PMID: 25741868, with internal and published modifications).

NM_001470.4(GABBR1):c.1065+6A>G

Gene: GABBR1 (gamma-aminobutyric acid type B receptor subunit 1; minus strand). Cytogenetic location: 6p22.1.
Variant type: single nucleotide variant.
Coding change: c.1065+6A>G on transcript NM_001470.4 (MANE Select); 6 bases into the intron after coding-DNA position 1065, A replaced by G.
Molecular consequence: intron variant.
Genome position (GRCh38, 1-based): chr6:29,622,098, T>C on the plus strand (A>G on the coding strand, the complement: GABBR1 is on the minus strand). VCF-style: chr6-29622098-T-C. GRCh37 (hg19) VCF-style: chr6-29589875-T-C.
Other names: c.879+6A>G (NM_021904.4); c.534+6A>G (NM_001319053.2); c.714+6A>G (NM_021903.3).
Identifiers: ClinVar variation 4985220 (VCV004985220.1).